The following is an entry in ClinVar:

NM_198253.3(TERT):c.2374A>G (p.Ile792Val)

Gene: TERT (telomerase reverse transcriptase; minus strand). Cytogenetic location: 5p15.33.
Variant type: single nucleotide variant.
Coding change: c.2374A>G on transcript NM_198253.3 (MANE Select); coding-DNA position 2374, A replaced by G.
Protein change: p.Ile792Val; replaces isoleucine 792 with valine.
Molecular consequence: missense variant.
Genome position (GRCh38, 1-based): chr5:1,272,193, T>C on the plus strand (A>G on the coding strand, the complement: TERT is on the minus strand). VCF-style: chr5-1272193-T-C. GRCh37 (hg19) VCF-style: chr5-1272308-T-C.
Other names: c.2374A>G, p.Ile792Val (NM_001193376.3); short protein forms I792V.
Identifiers: ClinVar variation 935707 (VCV000935707.10), dbSNP rs1289861532, ClinGen allele CA359076211.

ClinVar aggregate classification (germline): Uncertain significance. Review status: criteria provided, multiple submitters, no conflicts (2 of 4 stars). 3 submissions from 3 submitters: Uncertain significance (3). Last evaluated 2023-12-28.

Conditions:
Dyskeratosis congenita. Identifiers: Orphanet 1775, MedGen C0265965, MONDO:0015780.
Idiopathic Pulmonary Fibrosis. Also called: Idiopathic fibrosing alveolitis, chronic form; idiopathic fibrosing alveolitis. Identifiers: Orphanet 2032, MedGen C1800706, MeSH D054990, MONDO:0800504.
Dyskeratosis congenita, autosomal dominant 2. Identifiers: MedGen C3151443, MONDO:0013521, OMIM 613989.

Allele frequency attached by ClinVar (database versions not stated): gnomAD exomes below 0.00001.
gnomAD v4.1: 2 of 1,611,598 alleles (0.00012%); highest among the groups gnomAD compares: Admixed American, 0.0033%; no homozygotes.

Submissions (3):

GeneDx
Classification: Uncertain significance. Last evaluated: 2023-12-28. Review status: criteria provided, single submitter. Criteria: GeneDx Variant Classification Process June 2021. Collection method: clinical testing. Allele origin: germline. Affected: yes.
Comment: In silico analysis supports that this missense variant does not alter protein structure/function; Has not been previously published as pathogenic or benign to our knowledge

Ambry Genetics
Classification: Uncertain significance for Dyskeratosis congenita. Last evaluated: 2022-04-27. Review status: criteria provided, single submitter. Criteria: Ambry Variant Classification Scheme 2023. Collection method: clinical testing. Allele origin: germline.
Comment: The p.I792V variant (also known as c.2374A>G), located in coding exon 7 of the TERT gene, results from an A to G substitution at nucleotide position 2374. The isoleucine at codon 792 is replaced by valine, an amino acid with highly similar properties. This amino acid position is conserved. In addition, this alteration is predicted to be tolerated by in silico analysis. Since supporting evidence is limited at this time, the clinical significance of this alteration remains unclear.

Labcorp Genetics (formerly Invitae), Labcorp
Classification: Uncertain significance for Dyskeratosis congenita, autosomal dominant 2; Idiopathic Pulmonary Fibrosis. Last evaluated: 2021-08-30. Review status: criteria provided, single submitter. Criteria: Invitae Variant Classification Sherloc (09022015). Collection method: clinical testing. Allele origin: germline.
Comment: This sequence change replaces isoleucine with valine at codon 792 of the TERT protein (p.Ile792Val). The isoleucine residue is moderately conserved and there is a small physicochemical difference between isoleucine and valine. This variant is not present in population databases (ExAC no frequency). This variant has not been reported in the literature in individuals affected with TERT-related conditions. Algorithms developed to predict the effect of missense changes on protein structure and function output the following: SIFT: "Tolerated"; PolyPhen-2: "Benign"; Align-GVGD: "Class C0". The valine amino acid residue is found in multiple mammalian species, which suggests that this missense change does not adversely affect protein function. In summary, the available evidence is currently insufficient to determine the role of this variant in disease. Therefore, it has been classified as a Variant of Uncertain Significance.